The following is an entry in ClinVar:

ClinVar aggregate classification (germline): Uncertain significance (1 of 4 stars; one submission).

Conditions:
Inborn genetic diseases. Identifiers: MedGen C0950123, MeSH D030342.

Submission:

Ambry Genetics
Classification: Uncertain significance for Inborn genetic diseases. Last evaluated: 2026-01-14. Review status: criteria provided, single submitter. Criteria: Ambry Variant Classification Scheme 2023. Collection method: clinical testing. Allele origin: germline.
Comment: The p.P852Q variant (also known as c.2555C>A), located in coding exon 9 of the MECOM gene, results from a C to A substitution at nucleotide position 2555. The proline at codon 852 is replaced by glutamine, an amino acid with similar properties. This amino acid position is conserved. In addition, the in silico prediction for this alteration is inconclusive. Based on the available evidence, the clinical significance of this variant remains unclear.

NM_004991.4(MECOM):c.2555C>A (p.Pro852Gln)

Gene: MECOM (MDS1 and EVI1 complex locus; minus strand). Cytogenetic location: 3q26.2.
Variant type: single nucleotide variant.
Coding change: c.2555C>A on transcript NM_004991.4 (MANE Select); coding-DNA position 2555, C replaced by A.
Protein change: p.Pro852Gln; replaces proline 852 with glutamine.
Molecular consequence: missense variant.
Genome position (GRCh38, 1-based): chr3:169,112,809, G>T on the plus strand (C>A on the coding strand, the complement: MECOM is on the minus strand). VCF-style: chr3-169112809-G-T. GRCh37 (hg19) VCF-style: chr3-168830597-G-T.
Other names: c.2186C>A, p.Pro729Gln (NM_001105077.4); c.1991C>A, p.Pro664Gln (NM_001105078.4, NM_001164000.2, NM_001205194.2 and 4 more transcripts); c.1994C>A, p.Pro665Gln (NM_001163999.2, NM_001366467.2, NM_001366468.2 and 1 more transcripts); c.2555C>A, p.Pro852Gln (NM_001366466.2); c.1583C>A, p.Pro528Gln (NM_001366473.2); c.1019C>A, p.Pro340Gln (NM_001366474.2); short protein forms P664Q, P729Q, P528Q, P665Q, P852Q, P340Q.
Identifiers: ClinVar variation 4842779 (VCV004842779.1).